The following is an entry in ClinVar:

NM_014362.4(HIBCH):c.438+11T>G

Gene: HIBCH (3-hydroxyisobutyryl-CoA hydrolase; minus strand). Cytogenetic location: 2q32.2.
Variant type: single nucleotide variant.
Coding change: c.438+11T>G on transcript NM_014362.4 (MANE Select); 11 bases into the intron after coding-DNA position 438, T replaced by G.
Molecular consequence: intron variant.
Genome position (GRCh38, 1-based): chr2:190,287,575, A>C on the plus strand (T>G on the coding strand, the complement: HIBCH is on the minus strand). VCF-style: chr2-190287575-A-C. GRCh37 (hg19) VCF-style: chr2-191152301-A-C.
Other names: c.438+11T>G (NM_198047.3).
Identifiers: ClinVar variation 514448 (VCV000514448.6), dbSNP rs1414998551, ClinGen allele CA538472139.
Genomic context (GRCh38, chr2:190,287,575, plus strand): 5'-TGTTTAATAATTATTAACTTATTTTTAATACAACTCACTCATACAATGATCAGAGTAAAA[A>C]GTCTACTTACCCCACCCATTGTAATTCCATGAATAAGTGCAACATAAGGTTTCTGGCAAG-3'

ClinVar aggregate classification (germline): Likely benign. Review status: criteria provided, multiple submitters, no conflicts (2 of 4 stars). 3 submissions from 3 submitters: Likely benign (3). Last evaluated 2024-05-27.

Conditions:
3-hydroxyisobutyryl-CoA hydrolase deficiency. Also called: VALINE METABOLIC DEFECT; Reduced circulating 3-hydroxyisobutyryl-CoA hydrolase activity; Deficiency of 3-hydroxyisobutyryl CoA hydrolase; HIBCH DEFICIENCY; METHACRYLIC ACID TOXICITY; METHACRYLIC ACIDURIA. Identifiers: Orphanet 88639, MedGen C0342738, MONDO:0009603, OMIM 250620, HP:6000215.

Allele frequency attached by ClinVar (database versions not stated): gnomAD 0.00002; gnomAD exomes 0.00004 and below 0.00001; TOPMed 0.00001.
gnomAD v4.1: 59 of 1,578,244 alleles (0.0037%); highest among the groups gnomAD compares: Non-Finnish European, 0.0048%; no homozygotes.

Submissions (3):

Blueprint Genetics
Classification: Likely benign. Last evaluated: 2024-05-27. Review status: criteria provided, single submitter. Criteria: ACMG Guidelines, 2015. Collection method: clinical testing. Allele origin: germline.

Labcorp Genetics (formerly Invitae), Labcorp
Classification: Likely benign for 3-hydroxyisobutyryl-CoA hydrolase deficiency. Last evaluated: 2022-03-14. Review status: criteria provided, single submitter. Criteria: Invitae Variant Classification Sherloc (09022015). Collection method: clinical testing. Allele origin: germline.

GeneDx
Classification: Likely benign. Last evaluated: 2018-01-19. Review status: criteria provided, single submitter. Criteria: GeneDx Variant Classification (06012015). Collection method: clinical testing. Allele origin: germline. Affected: yes.
Comment: This variant is considered likely benign or benign based on one or more of the following criteria: it is a conservative change, it occurs at a poorly conserved position in the protein, it is predicted to be benign by multiple in silico algorithms, and/or has population frequency not consistent with disease.